The following is an entry in ClinVar:

ClinVar aggregate classification (germline): Uncertain significance. Review status: criteria provided, single submitter (1 of 4 stars). 2 submissions from 1 submitter: Uncertain significance (1). 1 of the submissions does not count toward it. Last evaluated 2022-07-20.

Conditions:
Multiple sulfatase deficiency (MSD). Also called: Mucosulfatidosis; Multiple Sulfatase Deficiency Disease; Sulfatidosis, Juvenile, Austin Type. Identifiers: Orphanet 585, MedGen C0268263, MONDO:0010088, OMIM 272200.

Submissions (2):

Labcorp Genetics (formerly Invitae), Labcorp
Classification: Uncertain significance for Multiple sulfatase deficiency. Last evaluated: 2022-07-20. Review status: criteria provided, single submitter. Criteria: Invitae Variant Classification Sherloc (09022015). Collection method: clinical testing. Allele origin: germline.
Comment: This variant results in a copy number gain of the genomic region encompassing exon(s) 1-3 of the SUMF1 gene. This region includes the initiator codon of the gene. This copy number gain extends beyond the assayed region for this gene and therefore may encompass additional genes. As the precise location of this event is unknown, it may be in tandem or it may be located elsewhere in the genome. This variant has not been reported in the literature in individuals affected with SUMF1-related conditions. Experimental studies and prediction algorithms are not available or were not evaluated, and the functional significance of this variant is currently unknown. In summary, the available evidence is currently insufficient to determine the role of this variant in disease. Therefore, it has been classified as a Variant of Uncertain Significance.

Labcorp Genetics (formerly Invitae), Labcorp
Classification: Uncertain significance. Last evaluated: 2022-07-20. Review status: flagged submission. Criteria: Invitae Variant Classification Sherloc (09022015). Collection method: clinical testing. Allele origin: germline. Not counted in ClinVar's aggregate classification.
Comment: A copy number gain of the genomic region encompassing the full coding sequence of the ITPR1 gene has been identified. The boundaries of this event are unknown as they extend beyond the assayed region for this gene and therefore may encompass additional genes. As the precise location of this event is unknown, it may be in tandem or it may be located elsewhere in the genome. This variant has not been reported in the literature in individuals affected with ITPR1-related conditions. In summary, the available evidence is currently insufficient to determine the role of this variant in disease. Therefore, it has been classified as a Variant of Uncertain Significance.
ClinVar note: Reason: This record appears to be redundant with a more recent record from the same submitter.
ClinVar note: Notes: SCV003794596 appears to be redundant with SCV003797024.

NC_000003.11:g.(?_4490930)_(4887909_?)dup

Genes: EGOT (eosinophil granule ontogeny transcript; minus strand), ITPR1 (inositol 1,4,5-trisphosphate receptor type 1; plus strand), SUMF1 (sulfatase modifying factor 1; minus strand). Cytogenetic location: 3p26.1.
Variant type: Duplication.
Identifiers: ClinVar variation 2424374 (VCV002424374.3).